The following is an entry in ClinVar:

ClinVar aggregate classification (germline): Uncertain significance. Review status: criteria provided, single submitter (1 of 4 stars). 2 submissions from 2 submitters: Uncertain significance (1). 1 of the submissions does not count toward it. Last evaluated 2024-09-09.

Conditions:
PLXNA3-related disorder. Also called: PLXNA3-related condition.

Allele frequency attached by ClinVar (database versions not stated): ExAC 0.00032; TOPMed 0.00041; gnomAD 0.00047; gnomAD exomes 0.00081; ESP Exome Variant Server 0.00104.
gnomAD v4.1: 934 of 1,207,172 alleles (0.077%); highest among the groups gnomAD compares: Non-Finnish European, 0.098%; no homozygotes.

Submissions (4):

Ambry Genetics
Classification: Uncertain significance. Last evaluated: 2024-09-09. Review status: criteria provided, single submitter. Criteria: Ambry Variant Classification Scheme 2023. Collection method: clinical testing. Allele origin: germline.

PreventionGenetics, part of Exact Sciences
Classification: Likely benign for PLXNA3-related condition. Last evaluated: 2024-07-29. Review status: no assertion criteria provided. Collection method: clinical testing. Allele origin: germline. Not counted in ClinVar's aggregate classification.
Comment: This variant is classified as likely benign based on ACMG/AMP sequence variant interpretation guidelines (Richards et al. 2015 PMID: 25741868, with internal and published modifications).

Dr. Peter K. Rogan Lab, Western University
No classification provided (evidence only). Condition: Cervical cancer. Review status: no classification provided. Collection method: in vitro. Allele origin: not applicable. Functional consequence: retained intron. Not counted in ClinVar's aggregate classification.

Dr. Peter K. Rogan Lab, Western University
No classification provided (evidence only). Condition: Adrenocortical carcinoma, hereditary. Review status: no classification provided. Collection method: in vitro. Allele origin: not applicable. Functional consequence: retained intron. Not counted in ClinVar's aggregate classification.

NM_017514.5(PLXNA3):c.1733C>T (p.Ala578Val)

Gene: PLXNA3 (plexin A3; plus strand). Cytogenetic location: Xq28.
Variant type: single nucleotide variant.
Coding change: c.1733C>T on transcript NM_017514.5 (MANE Select); coding-DNA position 1733, C replaced by T.
Protein change: p.Ala578Val; replaces alanine 578 with valine.
Molecular consequence: missense variant.
Genome position (GRCh38, 1-based): chrX:154,464,218, C>T. VCF-style: chrX-154464218-C-T. GRCh37 (hg19) VCF-style: chrX-153692561-C-T.
Other names: NC_000023.10:g.153692561C>T; short protein forms A578V.
Identifiers: ClinVar variation 2374361 (VCV002374361.6), dbSNP rs142270837, ClinGen allele CA10564156.